The following is an entry in ClinVar:

NM_005883.3(APC2):c.5108C>A (p.Ala1703Glu)

Gene: APC2 (APC regulator of Wnt signaling pathway 2; plus strand). Cytogenetic location: 19p13.3.
Variant type: single nucleotide variant.
Coding change: c.5108C>A on transcript NM_005883.3 (MANE Select); coding-DNA position 5108, C replaced by A.
Protein change: p.Ala1703Glu; replaces alanine 1703 with glutamic acid.
Molecular consequence: missense variant.
Genome position (GRCh38, 1-based): chr19:1,468,409, C>A. VCF-style: chr19-1468409-C-A. GRCh37 (hg19) VCF-style: chr19-1468408-C-A.
Other names: c.5105C>A, p.Ala1702Glu (NM_001351273.1); short protein forms A1703E, A1702E.
Identifiers: ClinVar variation 493243 (VCV000493243.49), dbSNP rs200444154, ClinGen allele CA9045960.

ClinVar aggregate classification (germline): Uncertain significance. Review status: criteria provided, multiple submitters, no conflicts (2 of 4 stars). 7 submissions from 6 submitters: Uncertain significance (7). Last evaluated 2025-06-04.

Conditions:
Cortical dysplasia, complex, with other brain malformations 10. Identifiers: MedGen C5231458, MONDO:0032866, OMIM 618677.
Intellectual developmental disorder, autosomal recessive 74 (MRT74). Also called: Sotos syndrome 3. Identifiers: MedGen C4310684, MONDO:0014951, OMIM 617169.
Inborn genetic diseases. Identifiers: MedGen C0950123, MeSH D030342.

Allele frequency attached by ClinVar (database versions not stated): 1000 Genomes Project 30x 0.00031; gnomAD exomes 0.00052 and 0.00089; gnomAD 0.00072 and 0.00100; ExAC 0.00079; ESP Exome Variant Server 0.00093; TOPMed 0.00117.
gnomAD v4.1: 1,411 of 1,588,992 alleles (0.089%); highest among the groups gnomAD compares: Non-Finnish European, 0.11%; no homozygotes.

Submissions (7):

Women's Health and Genetics/Laboratory Corporation of America, LabCorp
Classification: Uncertain significance. Last evaluated: 2025-06-04. Review status: criteria provided, single submitter. Criteria: LabCorp Variant Classification Summary - May 2015. Collection method: clinical testing. Allele origin: germline.
Comment: Variant summary: APC2 c.5108C>A (p.Ala1703Glu) results in a non-conservative amino acid change in the encoded protein sequence. Algorithms developed to predict the effect of missense changes on protein structure and function are either unavailable or do not agree on the potential impact of this missense change. The variant allele was found at a frequency of 0.00052 in 206256 control chromosomes. This frequency is not significantly higher than estimated for a pathogenic variant in APC2 causing APC2-Related Disorders, allowing no conclusion about variant significance. To our knowledge, no occurrence of c.5108C>A in individuals affected with APC2-Related Disorders and no experimental evidence demonstrating its impact on protein function have been reported. ClinVar contains an entry for this variant (Variation ID: 493243). Based on the evidence outlined above, the variant was classified as uncertain significance.

Ambry Genetics
Classification: Uncertain significance for Inborn genetic diseases. Last evaluated: 2024-08-12. Review status: criteria provided, single submitter. Criteria: Ambry Variant Classification Scheme 2023. Collection method: clinical testing. Allele origin: germline.

Fulgent Genetics
Classification: Uncertain significance for Intellectual developmental disorder, autosomal recessive 74; Cortical dysplasia, complex, with other brain malformations 10. Last evaluated: 2024-05-21. Review status: criteria provided, single submitter. Criteria: ACMG Guidelines, 2015. Collection method: clinical testing. Allele origin: germline.

Labcorp Genetics (formerly Invitae), Labcorp
Classification: Uncertain significance. Last evaluated: 2022-07-14. Review status: criteria provided, single submitter. Criteria: Invitae Variant Classification Sherloc (09022015). Collection method: clinical testing. Allele origin: germline.
Comment: This sequence change replaces alanine, which is neutral and non-polar, with glutamic acid, which is acidic and polar, at codon 1703 of the APC2 protein (p.Ala1703Glu). This variant is present in population databases (rs200444154, gnomAD 0.1%), and has an allele count higher than expected for a pathogenic variant. This variant has not been reported in the literature in individuals affected with APC2-related conditions. ClinVar contains an entry for this variant (Variation ID: 493243). Algorithms developed to predict the effect of missense changes on protein structure and function are either unavailable or do not agree on the potential impact of this missense change (SIFT: "Deleterious"; PolyPhen-2: "Probably Damaging"; Align-GVGD: "Class C0"). In summary, the available evidence is currently insufficient to determine the role of this variant in disease. Therefore, it has been classified as a Variant of Uncertain Significance.

GeneDx
Classification: Uncertain significance. Last evaluated: 2022-04-18. Review status: criteria provided, single submitter. Criteria: GeneDx Variant Classification Process June 2021. Collection method: clinical testing. Allele origin: germline. Affected: yes.
Comment: In silico analysis supports that this missense variant has a deleterious effect on protein structure/function; Has not been previously published as pathogenic or benign to our knowledge

Fulgent Genetics
Classification: Uncertain significance for Intellectual developmental disorder, autosomal recessive 74. Last evaluated: 2018-10-31. Review status: criteria provided, single submitter. Criteria: ACMG Guidelines, 2015. Collection method: clinical testing. Allele origin: unknown.

CeGaT Center for Human Genetics Tuebingen
Classification: Uncertain significance. Last evaluated: 2017-10-01. Review status: criteria provided, single submitter. Criteria: CeGaT Center For Human Genetics Tuebingen Variant Classification Criteria Version 2. Collection method: clinical testing. Allele origin: germline. Affected: yes. Observed: 1 variant allele.

Literature cited by the submitters: PubMed 34063511 (cited by Women's Health and Genetics/Laboratory Corporation of America, LabCorp); PubMed 31510873 (cited by Women's Health and Genetics/Laboratory Corporation of America, LabCorp); PubMed 25189415 (cited by Women's Health and Genetics/Laboratory Corporation of America, LabCorp); PubMed 32766464 (cited by Ambry Genetics).